The following is an entry in ClinVar:

NM_000261.2(MYOC):c.1053C>T (p.Thr351=)

Gene: MYOC (myocilin; minus strand). Cytogenetic location: 1q24.3.
Variant type: single nucleotide variant.
Coding change: c.1053C>T on transcript NM_000261.2 (MANE Select); coding-DNA position 1053, C replaced by T.
Protein change: p.Thr351=; no amino-acid change (threonine 351 retained).
Molecular consequence: synonymous variant.
Genome position (GRCh38, 1-based): chr1:171,636,387, G>A on the plus strand (C>T on the coding strand, the complement: MYOC is on the minus strand). VCF-style: chr1-171636387-G-A. GRCh37 (hg19) VCF-style: chr1-171605527-G-A.
Other names: NM_000261.2(MYOC):c.1053C>T; p.Thr351=.
Identifiers: ClinVar variation 875956 (VCV000875956.7), dbSNP rs202003673, ClinGen allele CA1244088.
Genomic context (GRCh38, chr1:171,636,387, plus strand): 5'-ATACGGGAACTGTCCGTGGTAGCCAGCTCCAGGGATTTCCTTCTCAGCCTTCACTGTCTC[G>A]GTATTCAGCTCATATCTTATGACAGTTCTGGACTCAGCGCCCTGGAAATAGAGGCTCCCC-3'
Protein context (NP_000252.1, residues 341-361): SRTVIRYELN[Thr351=]ETVKAEKEIP

ClinVar aggregate classification (germline): Likely benign. Review status: reviewed by expert panel (3 of 4 stars). 4 submissions from 3 submitters: Likely benign (1). 3 of the submissions do not count toward it. Last evaluated 2026-01-20.

Conditions:
Glaucoma 1, open angle, A (GLC1A). Also called: Glaucoma, Dominant (Juvenile Onset). Identifiers: Orphanet 98977, MedGen C1842028, MONDO:0007664, OMIM 137750.
Open-angle glaucoma. Identifiers: MedGen C0017612, MONDO:0005338, HP:0012108.
Glaucoma. Identifiers: MedGen C0017601, MONDO:0005041, HP:0000501.

Allele frequency attached by ClinVar (database versions not stated): ESP Exome Variant Server 0.00008; gnomAD exomes 0.00025 and 0.00014; gnomAD 0.00022; 1000 Genomes Project 30x 0.00078; ExAC 0.00027; TOPMed 0.00049; 1000 Genomes Project 0.00080.
gnomAD v4.1: 259 of 1,613,954 alleles (0.016%); highest among the groups gnomAD compares: Middle Eastern, 0.099%; 1 homozygote.

Submissions (4):

ClinGen Glaucoma Variant Curation Expert Panel
Classification: Likely benign for Open-angle glaucoma. Last evaluated: 2026-01-20. Review status: reviewed by expert panel. Criteria: ClinGen Glaucoma ACMG Specifications V2.0.0 Approved. Collection method: curation. Allele origin: germline. Inheritance: Autosomal dominant inheritance.
Comment: The c.1053C>T variant in MYOC is a synonymous variant (p.Thr351=). The highest minor allele frequency of this variant was in the Ashkenazi Jewish genetic ancestry group of gnomAD (v4.1.0) = 0.001355, which met the ≥ 0.001 threshold set for BS1 (40 alleles out of 29,522), meeting the threshold of ≥ 5 of at least 2,000 observed alleles). The SpliceAI score = 0, which met the ≤ 0.1 threshold for BP4, suggesting that the variant does not impact MYOC function. This synonymous variant meets BP4, so BP7 is met. There was no functional evidence predicting a damaging or benign impact of this variant on MYOC function. Although probands with primary open angle glaucoma have been reported carrying this variant, PM2_Supporting was not met, therefore PS4 did not apply. In summary, this variant met the criteria to receive a score of -6 and to be classified as likely benign (likely benign classification range -2 to -6, adapted from PMID: 32720330) for primary open angle glaucoma based on the ACMG/AMP criteria met, as specified by the ClinGen Glaucoma VCEP (v2.0.0, 5 Dec 2024): BS1, BP4, BP7.

Illumina Laboratory Services, Illumina
Classification: Uncertain significance for Glaucoma 1, open angle, A. Last evaluated: 2017-06-07. Review status: criteria provided, single submitter. Criteria: ICSL Variant Classification Criteria 13 December 2019. Collection method: clinical testing. Allele origin: germline. Not counted in ClinVar's aggregate classification.
Comment: This variant was observed as part of a predisposition screen in an ostensibly healthy population. A literature search was performed for the gene, cDNA change, and amino acid change (where applicable). Publications were found based on this search. However, the evidence from the literature, in combination with allele frequency data from public databases where available, was not sufficient to rule this variant in or out of causing disease. Therefore, this variant is classified as a variant of unknown significance.

Illumina Laboratory Services, Illumina
Classification: Uncertain significance for Glaucoma. Last evaluated: 2017-04-27. Review status: criteria provided, single submitter. Criteria: ICSL Variant Classification Criteria 13 December 2019. Collection method: clinical testing. Allele origin: germline. Not counted in ClinVar's aggregate classification.

Breakthrough Genomics
Classification: Uncertain significance. Review status: criteria provided, single submitter. Criteria: ACMG Guidelines, 2015. Collection method: not provided. Allele origin: germline. Inheritance: Autosomal dominant inheritance. Affected: yes. Not counted in ClinVar's aggregate classification.

Literature cited by the submitters: PubMed 11803488 (cited by Illumina Laboratory Services, Illumina); PubMed 22736945 (cited by Illumina Laboratory Services, Illumina).